The following is an entry in ClinVar:

NM_001009999.3(KDM1A):c.2563G>A (p.Gly855Arg)

Gene: KDM1A (lysine demethylase 1A; plus strand). Cytogenetic location: 1p36.12.
Variant type: single nucleotide variant.
Coding change: c.2563G>A on transcript NM_001009999.3 (MANE Select); coding-DNA position 2563, G replaced by A.
Protein change: p.Gly855Arg; replaces glycine 855 with arginine.
Molecular consequence: missense variant.
Genome position (GRCh38, 1-based): chr1:23,083,296, G>A. VCF-style: chr1-23083296-G-A. GRCh37 (hg19) VCF-style: chr1-23409789-G-A.
Other names: c.2509G>A, p.Gly837Arg (NM_001363654.2); c.2569G>A, p.Gly857Arg (NM_001410762.1); c.*811G>A (NM_001410763.1); c.2491G>A, p.Gly831Arg (NM_015013.4); short protein forms G831R, G837R, G855R, G857R.
Identifiers: ClinVar variation 1805846 (VCV001805846.2), dbSNP rs1054782634, ClinGen allele CA19218082.

ClinVar aggregate classification (germline): Uncertain significance. Review status: criteria provided, multiple submitters, no conflicts (2 of 4 stars). 2 submissions from 2 submitters: Uncertain significance (2). Last evaluated 2024-12-20.

Conditions:
Palatal anomalies-widely spaced teeth-facial dysmorphism-developmental delay syndrome. Also called: Cleft palate, psychomotor retardation, and distinctive facial features. Identifiers: Orphanet 477993, MedGen C4225229, MONDO:0014751, OMIM 616728.
Inborn genetic diseases. Identifiers: MedGen C0950123, MeSH D030342.

Allele frequency attached by ClinVar (database versions not stated): gnomAD 0.00001; TOPMed 0.00001; gnomAD exomes 0.00002.
gnomAD v4.1: 23 of 1,613,744 alleles (0.0014%); highest among the groups gnomAD compares: Non-Finnish European, 0.0019%; no homozygotes.

Submissions (2):

Ambry Genetics
Classification: Uncertain significance for Inborn genetic diseases. Last evaluated: 2024-12-20. Review status: criteria provided, single submitter. Criteria: Ambry Variant Classification Scheme 2023. Collection method: clinical testing. Allele origin: germline.
Comment: The p.G855R variant (also known as c.2563G>A), located in coding exon 21 of the KDM1A gene, results from a G to A substitution at nucleotide position 2563. The glycine at codon 855 is replaced by arginine, an amino acid with dissimilar properties. This amino acid position is conserved. In addition, this alteration is predicted to be tolerated by in silico analysis. Based on the available evidence, the clinical significance of this variant remains unclear.

Victorian Clinical Genetics Services, Murdoch Childrens Research Institute
Classification: Uncertain significance for Palatal anomalies-widely spaced teeth-facial dysmorphism-developmental delay syndrome. Last evaluated: 2020-10-19. Review status: criteria provided, single submitter. Criteria: ACMG Guidelines, 2015. Collection method: clinical testing. Allele origin: germline. Inheritance: Autosomal dominant inheritance. Affected: yes.
Comment: Based on the classification scheme VCGS_Germline_v1.3.3, this variant is classified as VUS-3B. Following criteria are met: 0102 - Loss of function is a known mechanism of disease in this gene and is associated with cleft palate, psychomotor retardation, and distinctive facial features (MIM#616728). (I) 0107 - This gene is associated with autosomal dominant disease. (I) 0200 - Variant is predicted to result in a missense amino acid change from glycine to arginine. (I) 0251 - This variant is heterozygous. (I) 0301 - Variant is absent from gnomAD (both v2 and v3). (SP) 0501 - Missense variant consistently predicted to be damaging by multiple in silico tools or highly conserved with a major amino acid change. (SP) 0604 - Variant is not located in an established domain, motif, hotspot or informative constraint region. (I) 0705 - No comparable missense variants have previous evidence for pathogenicity. (I) 0807 - This variant has no previous evidence of pathogenicity. (I) 0905 - No published segregation evidence has been identified for this variant. (I) 1007 - No published functional evidence has been identified for this variant. (I) 1208 - Inheritance information for this variant is not currently available in this individual. (I) Legend: (SP) - Supporting pathogenic, (I) - Information, (SB) - Supporting benign